The following is an entry in ClinVar:

NM_000136.3(FANCC):c.911A>C (p.Glu304Ala)

Genes: AOPEP (aminopeptidase O (putative); plus strand), FANCC (FA complementation group C; minus strand). Cytogenetic location: 9q22.32.
Variant type: single nucleotide variant.
Coding change: c.911A>C on transcript NM_000136.3 (MANE Select); coding-DNA position 911, A replaced by C.
Protein change: p.Glu304Ala; replaces glutamic acid 304 with alanine.
Molecular consequence: missense variant.
Genome position (GRCh38, 1-based): chr9:95,125,171, T>G on the plus strand (A>C on the coding strand, the complement: FANCC is on the minus strand). VCF-style: chr9-95125171-T-G. GRCh37 (hg19) VCF-style: chr9-97887453-T-G.
Other names: c.911A>C, p.Glu304Ala (NM_001243743.2, NM_001243744.2); short protein forms E304A.
Identifiers: ClinVar variation 2102182 (VCV002102182.4), dbSNP rs2541139700, ClinGen allele CA374109007.

ClinVar aggregate classification (germline): Uncertain significance (1 of 4 stars; one submission).

Conditions:
Fanconi anemia (FA). Also called: Fanconi's anemia. Identifiers: Orphanet 84, MedGen C0015625, MeSH D005199, MONDO:0019391.

Submission:

Labcorp Genetics (formerly Invitae), Labcorp
Classification: Uncertain significance for Fanconi anemia. Last evaluated: 2022-06-10. Review status: criteria provided, single submitter. Criteria: Invitae Variant Classification Sherloc (09022015). Collection method: clinical testing. Allele origin: germline.
Comment: In summary, the available evidence is currently insufficient to determine the role of this variant in disease. Therefore, it has been classified as a Variant of Uncertain Significance. Algorithms developed to predict the effect of missense changes on protein structure and function (SIFT, PolyPhen-2, Align-GVGD) all suggest that this variant is likely to be disruptive. This variant has not been reported in the literature in individuals affected with FANCC-related conditions. This variant is not present in population databases (gnomAD no frequency). This sequence change replaces glutamic acid, which is acidic and polar, with alanine, which is neutral and non-polar, at codon 304 of the FANCC protein (p.Glu304Ala).